The following is an entry in ClinVar:

NM_000260.4(MYO7A):c.262C>T (p.Arg88Cys)

Gene: MYO7A (myosin VIIA; plus strand). Cytogenetic location: 11q13.5.
Variant type: single nucleotide variant.
Coding change: c.262C>T on transcript NM_000260.4 (MANE Select); coding-DNA position 262, C replaced by T.
Protein change: p.Arg88Cys; replaces arginine 88 with cysteine.
Molecular consequence: missense variant.
Genome position (GRCh38, 1-based): chr11:77,147,927, C>T. VCF-style: chr11-77147927-C-T. GRCh37 (hg19) VCF-style: chr11-76858973-C-T.
Other names: c.262C>T, p.Arg88Cys (NM_001127180.2); c.229C>T, p.Arg77Cys (NM_001369365.1); short protein forms R77C, R88C.
Identifiers: ClinVar variation 1303902 (VCV001303902.5), dbSNP rs1405840651, ClinGen allele CA381929323.

ClinVar aggregate classification (germline): Conflicting classifications of pathogenicity. Review status: criteria provided, conflicting classifications (1 of 4 stars). 2 submissions from 2 submitters: Likely pathogenic (1); Uncertain significance (1). Last evaluated 2026-03-20.

Conditions:
Monogenic hearing loss.

Allele frequency attached by ClinVar (database versions not stated): gnomAD exomes below 0.00001.

Submissions (2):

Genetics Laboratory, Great Ormond Street Hospital NHS Foundation Trust, North Thames Genomic Laboratory Hub
Classification: Likely pathogenic for Monogenic hearing loss. Last evaluated: 2026-03-20. Review status: criteria provided, single submitter. Criteria: ACGS Best Practice Guidelines for Variant Classification in Rare Disease 2024 v1.2. Collection method: clinical testing. Allele origin: germline. Affected: yes.
Comment: PM2_moderate, PP3_supporting, PM3_moderate, PP4_supporting

GeneDx
Classification: Uncertain significance. Last evaluated: 2021-03-24. Review status: criteria provided, single submitter. Criteria: GeneDx Variant Classification Process June 2021. Collection method: clinical testing. Allele origin: germline. Affected: yes.
Comment: In silico analysis supports that this missense variant has a deleterious effect on protein structure/function; This variant is associated with the following publications: (PMID: 27460420)